The following is an entry in ClinVar:

NM_001197104.2(KMT2A):c.3665C>T (p.Thr1222Ile)

Gene: KMT2A (lysine methyltransferase 2A; plus strand). Cytogenetic location: 11q23.3.
Variant type: single nucleotide variant.
Coding change: c.3665C>T on transcript NM_001197104.2 (MANE Select); coding-DNA position 3665, C replaced by T.
Protein change: p.Thr1222Ile; replaces threonine 1222 with isoleucine.
Molecular consequence: missense variant.
Genome position (GRCh38, 1-based): chr11:118,481,745, C>T. VCF-style: chr11-118481745-C-T. GRCh37 (hg19) VCF-style: chr11-118352460-C-T.
Other names: c.3764C>T, p.Thr1255Ile (NM_001412597.1); c.3665C>T, p.Thr1222Ile (NM_005933.4); short protein forms T1222I, T1255I.
Identifiers: ClinVar variation 3618193 (VCV003618193.2).

ClinVar aggregate classification (germline): Uncertain significance (1 of 4 stars; one submission).

Submission:

Labcorp Genetics (formerly Invitae), Labcorp
Classification: Uncertain significance. Last evaluated: 2024-04-12. Review status: criteria provided, single submitter. Criteria: Invitae Variant Classification Sherloc (09022015). Collection method: clinical testing. Allele origin: germline.
Comment: This sequence change replaces threonine, which is neutral and polar, with isoleucine, which is neutral and non-polar, at codon 1222 of the KMT2A protein (p.Thr1222Ile). This variant is not present in population databases (gnomAD no frequency). This variant has not been reported in the literature in individuals affected with KMT2A-related conditions. Advanced modeling of protein sequence and biophysical properties (such as structural, functional, and spatial information, amino acid conservation, physicochemical variation, residue mobility, and thermodynamic stability) performed at Invitae indicates that this missense variant is not expected to disrupt KMT2A protein function with a negative predictive value of 95%. In summary, the available evidence is currently insufficient to determine the role of this variant in disease. Therefore, it has been classified as a Variant of Uncertain Significance.